The following is an entry in ClinVar:

ClinVar aggregate classification (germline): Benign (1 of 4 stars; one submission).

Conditions:
Leigh syndrome (NULS). Also called: Leigh's necrotizing encephalopathy; Leigh's disease; Leigh's syndrome; LEIGH SYNDROME, NUCLEAR; Leigh Syndrome (mtDNA deletion); Leigh Disease. Identifiers: Orphanet 506, MedGen C2931891, MONDO:0009723, OMIM 256000.

Submission:

Wong Mito Lab, Molecular and Human Genetics, Baylor College of Medicine
Classification: Benign for Leigh syndrome. Last evaluated: 2019-10-17. Review status: criteria provided, single submitter. Criteria: Modified ACMG Guidelines (Unpublished). Collection method: clinical testing. Allele origin: germline.
Comment: The NC_012920.1:m.14259G>A (YP_003024037.1:p.Pro139Ser) variant in MTND6 gene is interpretated to be a Benign variant based on the modified ACMG guidelines (unpublished). This variant meets the following evidence codes: BS1, BS2, BP4

NC_012920.1(MT-ND6):m.14259G>A

Gene: MT-ND6 (mitochondrially encoded NADH dehydrogenase 6; minus strand).
Variant type: single nucleotide variant.
Genome position: chrM-14259-G-A.
Identifiers: ClinVar variation 693700 (VCV000693700.1), dbSNP rs1603224632, ClinGen allele CA414821638.
Genomic context (GRCh38, chrMT:14,259, plus strand): 5'-TTCAACCAGTAACTACTACTAATCAACGCCCATAATCATACAAAGCCCCCGCACCAATAG[G>A]ATCCTCCCGAATCAACCCTGACCCCTCTCCTTCATAAATTATTCAGCTTCCTACACTATT-3'